The following is an entry in ClinVar:

NM_002691.4(POLD1):c.3219-193C>A

Genes: POLD1 (DNA polymerase delta 1, catalytic subunit; plus strand), LOC130064985 (ATAC-STARR-seq lymphoblastoid silent region 10965; plus strand). Cytogenetic location: 19q13.33.
Variant type: single nucleotide variant.
Coding change: c.3219-193C>A on transcript NM_002691.4 (MANE Select); 193 bases into the intron before coding-DNA position 3219, C replaced by A.
Molecular consequence: intron variant.
Genome position (GRCh38, 1-based): chr19:50,417,649, C>A. VCF-style: chr19-50417649-C-A. GRCh37 (hg19) VCF-style: chr19-50920906-C-A.
Other names: c.3219-193C>A (NM_001256849.1); c.3297-193C>A (NM_001308632.1).
Identifiers: ClinVar variation 682475 (VCV000682475.1), dbSNP rs3219452, ClinGen allele CA309605796.
Genomic context (GRCh38, chr19:50,417,649, plus strand): 5'-GGGGTGGGTTCCCACGCCAGGTGACAGGTGATATACGGCCAGCCATGGCCCTGCACCTCG[C>A]CAGGCACCCGCTGTTATCGGCTCCCCCCCCCCACCCCCCCCGTGCCTGCTGAGCAAACAG-3'

ClinVar aggregate classification (germline): Likely benign (1 of 4 stars; one submission).

Allele frequency attached by ClinVar (database versions not stated): 1000 Genomes Project 0.00839; 1000 Genomes Project 30x 0.00874; gnomAD 0.00972 and 0.01056; TOPMed 0.01240.
gnomAD v4.1: 1,464 of 151,634 alleles (0.97%); highest among the groups gnomAD compares: African/African-American, 3.3%; 22 homozygotes.

Submission:

GeneDx
Classification: Likely benign. Last evaluated: 2018-06-18. Review status: criteria provided, single submitter. Criteria: GeneDx Variant Classification (06012015). Collection method: clinical testing. Allele origin: germline. Affected: yes.
Comment: This variant is considered likely benign or benign based on one or more of the following criteria: it is a conservative change, it occurs at a poorly conserved position in the protein, it is predicted to be benign by multiple in silico algorithms, and/or has population frequency not consistent with disease.